The following is an entry in ClinVar:

NM_000426.4(LAMA2):c.9274_9276dup (p.Lys3092_Leu3093insLys)

Gene: LAMA2 (laminin subunit alpha 2; plus strand). Cytogenetic location: 6q22.33.
Variant type: Duplication.
Coding change: c.9274_9276dup on transcript NM_000426.4 (MANE Select); coding-DNA positions 9274 to 9276, 3 bases duplicated (AAG; older notation c.9274_9276dupAAG).
Protein change: p.Lys3092_Leu3093insLys.
Molecular consequence: inframe insertion.
Genome position (GRCh38, 1-based): chr6:129,516,252-129,516,254, AAG duplicated; duplicating any 3 consecutive bases within chr6:129,516,251-129,516,254 gives the same sequence; the c. name uses the placement nearest the transcript's 3' end. VCF-style (leftmost placement, unchanged base first): chr6-129516250-T-TGAA. GRCh37 (hg19) VCF-style: chr6-129837395-T-TGAA.
Other names: c.9262_9264dup, p.Lys3088_Leu3089insLys (NM_001079823.2).
Identifiers: ClinVar variation 4735023 (VCV004735023.1).
Genomic context (GRCh38, chr6:129,516,250, plus strand): 5'-ATGACCTCAAGCAGTTTGGCCTAACAACCAGTATTCCGTTCCGAGGTTGCATCAGATCCC[T>TGAA]GAAGCTCACCAAAGGCACAGGCAAGCCACTGGAGGTTAATTTTGCCAAGGCCCTGGAACT-3'

ClinVar aggregate classification (germline): Uncertain significance (1 of 4 stars; one submission).

Conditions:
LAMA2-related muscular dystrophy (LAMA2-RD). Also called: Laminin alpha 2-related dystrophy. Identifiers: MedGen C5679788, MONDO:0100228.

Submission:

Labcorp Genetics (formerly Invitae), Labcorp
Classification: Uncertain significance for LAMA2-related muscular dystrophy. Last evaluated: 2026-01-21. Review status: criteria provided, single submitter. Criteria: Invitae Variant Classification Sherloc (09022015). Collection method: clinical testing. Allele origin: germline.
Comment: This variant, c.9274_9276dup, results in the insertion of 1 amino acid(s) of the LAMA2 protein (p.Lys3092dup), but otherwise preserves the integrity of the reading frame. This variant is not present in population databases (gnomAD no frequency). This variant has been observed in individual(s) with clinical features of autosomal recessive LAMA2-related muscular dystrophy (internal data). In at least one individual the data is consistent with being in trans (on the opposite chromosome) from a pathogenic variant. Experimental studies and prediction algorithms are not available or were not evaluated, and the functional significance of this variant is currently unknown. In summary, the available evidence is currently insufficient to determine the role of this variant in disease. Therefore, it has been classified as a Variant of Uncertain Significance.